The following is an entry in ClinVar:

NM_001527.4(HDAC2):c.497+8A>C

Gene: HDAC2 (histone deacetylase 2; minus strand). Cytogenetic location: 6q21.
Variant type: single nucleotide variant.
Coding change: c.497+8A>C on transcript NM_001527.4 (MANE Select); 8 bases into the intron after coding-DNA position 497, A replaced by C.
Molecular consequence: intron variant.
Genome position (GRCh38, 1-based): chr6:113,956,005, T>G on the plus strand (A>C on the coding strand, the complement: HDAC2 is on the minus strand). VCF-style: chr6-113956005-T-G. GRCh37 (hg19) VCF-style: chr6-114277169-T-G.
Identifiers: ClinVar variation 3045365 (VCV003045365.2), dbSNP rs1312623763, ClinGen allele CA365525420.

ClinVar aggregate classification (germline): Likely benign (0 of 4 stars; one submission).

Conditions:
HDAC2-related disorder. Also called: HDAC2-related condition.

Allele frequency attached by ClinVar (database versions not stated): TOPMed below 0.00001.

Submission:

PreventionGenetics, part of Exact Sciences
Classification: Likely benign for HDAC2-related condition. Last evaluated: 2023-05-02. Review status: no assertion criteria provided. Collection method: clinical testing. Allele origin: germline.
Comment: This variant is classified as likely benign based on ACMG/AMP sequence variant interpretation guidelines (Richards et al. 2015 PMID: 25741868, with internal and published modifications).